The following is an entry in ClinVar:

NM_001103.4(ACTN2):c.126+13C>T

Gene: ACTN2 (actinin alpha 2; plus strand). Cytogenetic location: 1q43.
Variant type: single nucleotide variant.
Coding change: c.126+13C>T on transcript NM_001103.4 (MANE Select); 13 bases into the intron after coding-DNA position 126, C replaced by T.
Molecular consequence: intron variant.
Genome position (GRCh38, 1-based): chr1:236,686,812, C>T. VCF-style: chr1-236686812-C-T. GRCh37 (hg19) VCF-style: chr1-236850112-C-T.
Other names: c.-696+13C>T (NM_001278344.2); c.126+13C>T (NM_001278343.2).
Identifiers: ClinVar variation 1217284 (VCV001217284.1), dbSNP rs1440134547, ClinGen allele CA2487021840.
Genomic context (GRCh38, chr1:236,686,812, plus strand): 5'-GACCGCGACCTGCTCCTGGACCCAGCCTGGGAGAAGCAGCAGAGGAAGGTCAGCAGGGGC[C>T]CGCGGGCCGCCCGCGCGTGGTGGGGCCGGGTCCCCCGCGGGGCTCCCGTGCGCGTGGCCG-3'

ClinVar aggregate classification (germline): Uncertain significance (1 of 4 stars; one submission).

Submission:

Women's Health and Genetics/Laboratory Corporation of America, LabCorp
Classification: Uncertain significance. Last evaluated: 2021-08-30. Review status: criteria provided, single submitter. Criteria: LabCorp Variant Classification Summary - May 2015. Collection method: clinical testing. Allele origin: germline.
Comment: Variant summary: ACTN2 c.126+13C>T alters a non-conserved nucleotide located close to a canonical splice site and therefore could affect mRNA splicing, leading to a significantly altered protein sequence. 4/4 computational tools predict no significant impact on normal splicing. However, these predictions have yet to be confirmed by functional studies. The variant was absent in 165206 control chromosomes (gnomAD). The available data on variant occurrences in the general population are insufficient to allow any conclusion about variant significance. To our knowledge, no occurrence of c.126+13C>T in individuals affected with Cardiomyopathy and no experimental evidence demonstrating its impact on protein function have been reported. No clinical diagnostic laboratories have submitted clinical-significance assessments for this variant to ClinVar after 2014. Based on the evidence outlined above, the variant was classified as VUS-possibly benign.